The following is an entry in ClinVar:

NM_002227.4(JAK1):c.329+3A>G

Gene: JAK1 (Janus kinase 1; minus strand). Cytogenetic location: 1p31.3.
Variant type: single nucleotide variant.
Coding change: c.329+3A>G on transcript NM_002227.4 (MANE Select); 3 bases into the intron after coding-DNA position 329, A replaced by G.
Molecular consequence: intron variant.
Genome position (GRCh38, 1-based): chr1:64,879,022, T>C on the plus strand (A>G on the coding strand, the complement: JAK1 is on the minus strand). VCF-style: chr1-64879022-T-C. GRCh37 (hg19) VCF-style: chr1-65344705-T-C.
Other names: c.329+3A>G (NM_001321852.2, NM_001321854.2, NM_001321853.2 and 4 more transcripts).
Identifiers: ClinVar variation 2984370 (VCV002984370.3), dbSNP rs1282052264, ClinGen allele CA737905596.

ClinVar aggregate classification (germline): Uncertain significance (1 of 4 stars; one submission).

Allele frequency attached by ClinVar (database versions not stated): gnomAD exomes below 0.00001; TOPMed 0.00001; gnomAD 0.00001.
gnomAD v4.1: 2 of 1,613,800 alleles (0.00012%); highest among the groups gnomAD compares: Non-Finnish European, 0.00017%; no homozygotes.

Submission:

Labcorp Genetics (formerly Invitae), Labcorp
Classification: Uncertain significance. Last evaluated: 2025-11-24. Review status: criteria provided, single submitter. Criteria: Invitae Variant Classification Sherloc (09022015). Collection method: clinical testing. Allele origin: germline.
Comment: This sequence change falls in intron 4 of the JAK1 gene. It does not directly change the encoded amino acid sequence of the JAK1 protein. It affects a nucleotide within the consensus splice site. This variant is not present in population databases (gnomAD no frequency). This variant has not been reported in the literature in individuals affected with JAK1-related conditions. ClinVar contains an entry for this variant (Variation ID: 2984370). Variants that disrupt the consensus splice site are a relatively common cause of aberrant splicing (PMID: 17576681, 9536098). Algorithms developed to predict the effect of sequence changes on RNA splicing suggest that this variant may disrupt the consensus splice site. In summary, the available evidence is currently insufficient to determine the role of this variant in disease. Therefore, it has been classified as a Variant of Uncertain Significance.

Literature cited by the submitters: PubMed 17576681; PubMed 9536098.